The following is an entry in ClinVar:

NM_000077.5(CDKN2A):c.242C>G (p.Pro81Arg)

Gene: CDKN2A (cyclin dependent kinase inhibitor 2A; minus strand). Cytogenetic location: 9p21.3.
Variant type: single nucleotide variant.
Coding change: c.242C>G on transcript NM_000077.5; coding-DNA position 242, C replaced by G.
Protein change: p.Pro81Arg; replaces proline 81 with arginine.
Molecular consequence: missense variant (on NM_000077.6). On other transcripts: synonymous variant (1), 3 prime UTR variant (1).
Genome position (GRCh38, 1-based): chr9:21,971,117, G>C on the plus strand (C>G on the coding strand, the complement: CDKN2A is on the minus strand). VCF-style: chr9-21971117-G-C. GRCh37 (hg19) VCF-style: chr9-21971116-G-C.
Other names: c.242C>G, p.Pro81Arg (NM_000077.6, NM_001195132.2); c.89C>G, p.Pro30Arg (NM_001363763.2); c.285C>G, p.Thr95= (NM_058195.4); c.*165C>G (NM_058197.5); short protein forms P81R, P30R.
Identifiers: ClinVar variation 463492 (VCV000463492.19), dbSNP rs11552823, ClinGen allele CA373086245.

ClinVar aggregate classification (germline): Conflicting classifications of pathogenicity. Review status: criteria provided, conflicting classifications (1 of 4 stars). 4 submissions from 4 submitters: Pathogenic (2); Likely pathogenic (1); Uncertain significance (1). Last evaluated 2025-01-13.

Conditions:
Familial melanoma. Also called: Hereditary melanoma; Hereditary cutaneous melanoma. Identifiers: Orphanet 618, MedGen C1512419, MONDO:0018961.
Hereditary cancer-predisposing syndrome. Also called: Hereditary neoplastic syndrome; Neoplastic Syndromes, Hereditary; Hereditary Cancer Syndrome; Tumor predisposition. Identifiers: Orphanet 140162, MedGen C0027672, MeSH D009386, MONDO:0015356.

Submissions (4):

Color Diagnostics, LLC DBA Color Health
Classification: Uncertain significance for Hereditary cancer-predisposing syndrome. Last evaluated: 2025-01-13. Review status: criteria provided, single submitter. Criteria: ACMG Guidelines, 2015. Collection method: clinical testing. Allele origin: germline.
Comment: This missense variant replaces proline with arginine at codon 81 of the CDKN2A (p16INK4A) protein. Computational prediction suggests that this variant may have deleterious impact on protein structure and function. To our knowledge, functional studies have not been reported for this variant. Other variants at this codon have been observed to be defective for CDK4 binding (PMID: 10389768, 20340136). This variant has been reported in individuals affected with melanoma and pancreatic cancer (PMID: 18023021, 26800492, 26907448, 27804060). This variant has not been identified in the general population by the Genome Aggregation Database (gnomAD). The available evidence is insufficient to determine the role of this variant in disease conclusively. Therefore, this variant is classified as a Variant of Uncertain Significance.

GeneDx
Classification: Likely pathogenic. Last evaluated: 2023-08-03. Review status: criteria provided, single submitter. Criteria: GeneDx Variant Classification Process June 2021. Collection method: clinical testing. Allele origin: germline. Affected: yes.
Comment: Identified in individuals with multiple primary melanomas, segregating with disease in relatives affected with melanoma or pancreatic cancer (Helsing et al., 2008; Levin et al., 2016; Muller et al., 2016); Not observed at significant frequency in large population cohorts (gnomAD); In silico analysis supports that this missense variant has a deleterious effect on protein structure/function; This variant is associated with the following publications: (PMID: 21462282, 18023021, 9751050, 19260062, 26800492, 26907448, 27804060)

Labcorp Genetics (formerly Invitae), Labcorp
Classification: Pathogenic for Familial melanoma. Last evaluated: 2021-06-24. Review status: criteria provided, single submitter. Criteria: Invitae Variant Classification Sherloc (09022015). Collection method: clinical testing. Allele origin: germline.
Comment: This sequence change replaces proline with arginine at codon 81 of the CDKN2A (p16INK4a) protein (p.Pro81Arg). The proline residue is highly conserved and there is a moderate physicochemical difference between proline and arginine. This variant is not present in population databases (ExAC no frequency). This variant has been observed in individual(s) with melanoma and multiple primary melanoma (PMID: 18023021, 21462282, 26800492, 19260062, 27804060). It has also been observed to segregate with disease in related individuals. Algorithms developed to predict the effect of missense changes on protein structure and function (SIFT, PolyPhen-2, Align-GVGD) all suggest that this variant is likely to be disruptive, but these predictions have not been confirmed by published functional studies and their clinical significance is uncertain. For these reasons, this variant has been classified as Pathogenic.

Ambry Genetics
Classification: Pathogenic for Hereditary cancer-predisposing syndrome. Last evaluated: 2021-06-07. Review status: criteria provided, single submitter. Criteria: Ambry Variant Classification Scheme 2023. Collection method: clinical testing. Allele origin: germline.
Comment: The p.P81R pathogenic mutation (also known as c.242C>G), located in coding exon 2 of the CDKN2A gene, results from a C to G substitution at nucleotide position 242. The proline at codon 81 is replaced by arginine, an amino acid with dissimilar properties. This alteration has been detected in multiple cohorts of high-risk melanoma patients who either had multiple primary malignant melanomas and/or a family history of malignant melanoma as well as a pancreatic cancer patient (Helsing P et al. Genes Chromosomes Cancer, 2008 Feb;47:175-84; M&uuml;ller C et al. Br. J. Dermatol., 2016 Jun;174:1308-17; Levin T et al. Fam. Cancer, 2017 Apr;16:257-265; Mantripragada KC et al. J Oncol Pract, 2016 Apr;12:e396-404). This alteration segregates with melanoma and pancreatic cancer in multiple individuals from multiple families (Levin T et al. Fam. Cancer, 2017 Apr;16:257-265; Ambry internal data). Based on internal structural analysis, this alteration lies within a mutational hotspot and will destabilize local structure of the binding interface leading to significantly impaired binding to CDK4 and CDK6 (Ambry internal data; Russo AA et al. Nature, 1998 Sep;395:237-43). This amino acid position is highly conserved in available vertebrate species. In addition, this alteration is predicted to be deleterious by in silico analysis. Based on the supporting evidence, this alteration is interpreted as a disease-causing mutation.

Literature cited by the submitters: PubMed 10389768 (cited by Color Diagnostics, LLC DBA Color Health); PubMed 18023021 (cited by 3 submitters); PubMed 20340136 (cited by Color Diagnostics, LLC DBA Color Health); PubMed 26800492 (cited by 3 submitters); PubMed 26907448 (cited by Color Diagnostics, LLC DBA Color Health and Ambry Genetics); PubMed 27804060 (cited by 3 submitters); PubMed 21462282 (cited by Labcorp Genetics (formerly Invitae), Labcorp and Ambry Genetics); PubMed 19260062 (cited by Labcorp Genetics (formerly Invitae), Labcorp); PubMed 9751050 (cited by Ambry Genetics).